The following is an entry in ClinVar:

NM_002875.5(RAD51):c.946G>A (p.Asp316Asn)

Gene: RAD51 (RAD51 recombinase; plus strand). Cytogenetic location: 15q15.1.
Variant type: single nucleotide variant.
Coding change: c.946G>A on transcript NM_002875.5 (MANE Select); coding-DNA position 946, G replaced by A.
Protein change: p.Asp316Asn; replaces aspartic acid 316 with asparagine.
Molecular consequence: missense variant.
Genome position (GRCh38, 1-based): chr15:40,731,104, G>A. VCF-style: chr15-40731104-G-A. GRCh37 (hg19) VCF-style: chr15-41023302-G-A.
Other names: c.949G>A, p.Asp317Asn (NM_001164269.2, NM_133487.4); c.824G>A, p.Arg275Gln (NM_001164270.2); short protein forms R275Q, D317N, D316N.
Identifiers: ClinVar variation 2562104 (VCV002562104.2), dbSNP rs2141887081, ClinGen allele CA391760871.

ClinVar aggregate classification (germline): Uncertain significance (1 of 4 stars; one submission).

Conditions:
Inborn genetic diseases. Identifiers: MedGen C0950123, MeSH D030342.

Submission:

Ambry Genetics
Classification: Uncertain significance for Inborn genetic diseases. Last evaluated: 2023-05-28. Review status: criteria provided, single submitter. Criteria: Ambry Variant Classification Scheme 2023. Collection method: clinical testing. Allele origin: germline.
Comment: The p.D316N variant (also known as c.946G>A), located in coding exon 9 of the RAD51 gene, results from a G to A substitution at nucleotide position 946. The aspartic acid at codon 316 is replaced by asparagine, an amino acid with highly similar properties. This amino acid position is conserved. In addition, this alteration is predicted to be tolerated by in silico analysis. Since supporting evidence is limited at this time, the clinical significance of this alteration remains unclear.